The following is an entry in ClinVar:

NM_006306.4(SMC1A):c.3227C>T (p.Ser1076Phe)

Gene: SMC1A (structural maintenance of chromosomes 1A; minus strand). Cytogenetic location: Xp11.22.
Variant type: single nucleotide variant.
Coding change: c.3227C>T on transcript NM_006306.4 (MANE Select); coding-DNA position 3227, C replaced by T.
Protein change: p.Ser1076Phe; replaces serine 1076 with phenylalanine.
Molecular consequence: missense variant.
Genome position (GRCh38, 1-based): chrX:53,382,564, G>A on the plus strand (C>T on the coding strand, the complement: SMC1A is on the minus strand). VCF-style: chrX-53382564-G-A. GRCh37 (hg19) VCF-style: chrX-53409485-G-A.
Other names: c.3161C>T, p.Ser1054Phe (NM_001281463.1); short protein forms S1054F, S1076F.
Identifiers: ClinVar variation 1057501 (VCV001057501.9), dbSNP rs2146582586, ClinGen allele CA413244141.

ClinVar aggregate classification (germline): Uncertain significance (1 of 4 stars; one submission).

Conditions:
Congenital muscular hypertrophy-cerebral syndrome (CDLS2). Also called: SMC1A-Related Cornelia de Lange Syndrome; Cornelia de Lange syndrome 2. Identifiers: Orphanet 199, MedGen C1802395, MONDO:0010370, OMIM 300590.

Allele frequency attached by ClinVar (database versions not stated): gnomAD exomes below 0.00001.

Submission:

Labcorp Genetics (formerly Invitae), Labcorp
Classification: Uncertain significance for Congenital muscular hypertrophy-cerebral syndrome. Last evaluated: 2020-10-01. Review status: criteria provided, single submitter. Criteria: Invitae Variant Classification Sherloc (09022015). Collection method: clinical testing. Allele origin: germline.
Comment: In summary, the available evidence is currently insufficient to determine the role of this variant in disease. Therefore, it has been classified as a Variant of Uncertain Significance. Advanced modeling of protein sequence and biophysical properties (such as structural, functional, and spatial information, amino acid conservation, physicochemical variation, residue mobility, and thermodynamic stability) performed at Invitae indicates that this missense variant is not expected to disrupt SMC1A protein function. This variant has not been reported in the literature in individuals with SMC1A-related conditions. This variant is not present in population databases (ExAC no frequency). This sequence change replaces serine with phenylalanine at codon 1076 of the SMC1A protein (p.Ser1076Phe). The serine residue is moderately conserved and there is a large physicochemical difference between serine and phenylalanine.